The following is an entry in ClinVar:

NM_000273.3(GPR143):c.232G>T (p.Asp78Tyr)

Gene: GPR143 (G protein-coupled receptor 143; minus strand). Cytogenetic location: Xp22.2.
Variant type: single nucleotide variant.
Coding change: c.232G>T on transcript NM_000273.3 (MANE Select); coding-DNA position 232, G replaced by T.
Protein change: p.Asp78Tyr; replaces aspartic acid 78 with tyrosine.
Molecular consequence: missense variant.
Genome position (GRCh38, 1-based): chrX:9,765,586, C>A on the plus strand (G>T on the coding strand, the complement: GPR143 is on the minus strand). VCF-style: chrX-9765586-C-A. GRCh37 (hg19) VCF-style: chrX-9733626-C-A.
Other names: short protein forms D78Y.
Identifiers: ClinVar variation 1993043 (VCV001993043.4), dbSNP rs62635024, ClinGen allele CA412000386.

ClinVar aggregate classification (germline): Uncertain significance (1 of 4 stars; one submission).

Submission:

Labcorp Genetics (formerly Invitae), Labcorp
Classification: Uncertain significance. Last evaluated: 2022-05-11. Review status: criteria provided, single submitter. Criteria: Invitae Variant Classification Sherloc (09022015). Collection method: clinical testing. Allele origin: germline.
Comment: This sequence change replaces aspartic acid, which is acidic and polar, with tyrosine, which is neutral and polar, at codon 78 of the GPR143 protein (p.Asp78Tyr). In summary, the available evidence is currently insufficient to determine the role of this variant in disease. Therefore, it has been classified as a Variant of Uncertain Significance. This variant disrupts the p.Asp78 amino acid residue in GPR143. Other variant(s) that disrupt this residue have been observed in individuals with GPR143-related conditions (PMID: 9887374; Invitae), which suggests that this may be a clinically significant amino acid residue. Algorithms developed to predict the effect of missense changes on protein structure and function are either unavailable or do not agree on the potential impact of this missense change (SIFT: "Deleterious"; PolyPhen-2: "Probably Damaging"; Align-GVGD: "Class C0"). This missense change has been observed in individual(s) with ocular albinism (Invitae). This variant is not present in population databases (gnomAD no frequency).

Literature cited by the submitters: PubMed 9887374.